The following is an entry in ClinVar:

ClinVar aggregate classification (germline): Uncertain significance (1 of 4 stars; one submission).

Allele frequency attached by ClinVar (database versions not stated): ESP Exome Variant Server 0.00008; ExAC 0.00023; TOPMed 0.00005; gnomAD exomes 0.00006; gnomAD 0.00003.
gnomAD v4.1: 105 of 1,614,108 alleles (0.0065%); highest among the groups gnomAD compares: Non-Finnish European, 0.0069%; 1 homozygote.

Submission:

Labcorp Genetics (formerly Invitae), Labcorp
Classification: Uncertain significance. Last evaluated: 2024-01-22. Review status: criteria provided, single submitter. Criteria: Invitae Variant Classification Sherloc (09022015). Collection method: clinical testing. Allele origin: germline.
Comment: This sequence change creates a premature translational stop signal (p.Arg733*) in the CEP89 gene. While this is not anticipated to result in nonsense mediated decay, it is expected to disrupt the last 51 amino acid(s) of the CEP89 protein. This variant is present in population databases (rs146991222, gnomAD 0.02%). This variant has not been reported in the literature in individuals affected with CEP89-related conditions. ClinVar contains an entry for this variant (Variation ID: 2062187). Experimental studies and prediction algorithms are not available or were not evaluated, and the functional significance of this variant is currently unknown. In summary, the available evidence is currently insufficient to determine the role of this variant in disease. Therefore, it has been classified as a Variant of Uncertain Significance.

NM_032816.5(CEP89):c.2197C>T (p.Arg733Ter)

Gene: CEP89 (centrosomal protein 89; minus strand). Cytogenetic location: 19q13.11.
Variant type: single nucleotide variant.
Coding change: c.2197C>T on transcript NM_032816.5 (MANE Select); coding-DNA position 2197, C replaced by T.
Protein change: p.Arg733Ter; replaces arginine 733 with a stop codon.
Molecular consequence: nonsense.
Genome position (GRCh38, 1-based): chr19:32,879,317, G>A on the plus strand (C>T on the coding strand, the complement: CEP89 is on the minus strand). VCF-style: chr19-32879317-G-A. GRCh37 (hg19) VCF-style: chr19-33370223-G-A.
Other names: short protein forms R733*.
Identifiers: ClinVar variation 2062187 (VCV002062187.4), dbSNP rs146991222, ClinGen allele CA9359048.